The following is an entry in ClinVar:

NM_001286.5(CLCN6):c.648+4A>C

Gene: CLCN6 (chloride voltage-gated channel 6; plus strand). Cytogenetic location: 1p36.22.
Variant type: single nucleotide variant.
Coding change: c.648+4A>C on transcript NM_001286.5 (MANE Select); 4 bases into the intron after coding-DNA position 648, A replaced by C.
Molecular consequence: intron variant.
Genome position (GRCh38, 1-based): chr1:11,824,557, A>C. VCF-style: chr1-11824557-A-C. GRCh37 (hg19) VCF-style: chr1-11884614-A-C.
Other names: c.582+4A>C (NM_001256959.2).
Identifiers: ClinVar variation 1924124 (VCV001924124.5), dbSNP rs779197982, ClinGen allele CA596166.

ClinVar aggregate classification (germline): Uncertain significance (1 of 4 stars; one submission).

Allele frequency attached by ClinVar (database versions not stated): gnomAD 0.00001; TOPMed 0.00001; ExAC 0.00006.
gnomAD v4.1: 15 of 1,613,082 alleles (0.00093%); highest among the groups gnomAD compares: Non-Finnish European, 0.0013%; no homozygotes.

Submission:

Labcorp Genetics (formerly Invitae), Labcorp
Classification: Uncertain significance. Last evaluated: 2023-10-28. Review status: criteria provided, single submitter. Criteria: Invitae Variant Classification Sherloc (09022015). Collection method: clinical testing. Allele origin: germline.
Comment: This sequence change falls in intron 8 of the CLCN6 gene. It does not directly change the encoded amino acid sequence of the CLCN6 protein. It affects a nucleotide within the consensus splice site. This variant is present in population databases (rs779197982, gnomAD 0.005%). This variant has not been reported in the literature in individuals affected with CLCN6-related conditions. ClinVar contains an entry for this variant (Variation ID: 1924124). Variants that disrupt the consensus splice site are a relatively common cause of aberrant splicing (PMID: 17576681, 9536098). Algorithms developed to predict the effect of sequence changes on RNA splicing suggest that this variant is not likely to affect RNA splicing. In summary, the available evidence is currently insufficient to determine the role of this variant in disease. Therefore, it has been classified as a Variant of Uncertain Significance.

Literature cited by the submitters: PubMed 17576681; PubMed 9536098.